The following is an entry in ClinVar:

NM_016729.3(FOLR1):c.667G>A (p.Glu223Lys)

Genes: FOLR1 (folate receptor alpha; plus strand), FOLR1-AS1 (FOLR1 antisense RNA 1; minus strand). Cytogenetic location: 11q13.4.
Variant type: single nucleotide variant.
Coding change: c.667G>A on transcript NM_016729.3 (MANE Select); coding-DNA position 667, G replaced by A.
Protein change: p.Glu223Lys; replaces glutamic acid 223 with lysine.
Molecular consequence: missense variant.
Genome position (GRCh38, 1-based): chr11:72,196,070, G>A. VCF-style: chr11-72196070-G-A. GRCh37 (hg19) VCF-style: chr11-71907114-G-A.
Other names: c.667G>A, p.Glu223Lys (NM_000802.3, NM_016724.3, NM_016725.3); short protein forms E223K.
Identifiers: ClinVar variation 578292 (VCV000578292.10), dbSNP rs1565365932, ClinGen allele CA381734874.

ClinVar aggregate classification (germline): Uncertain significance (1 of 4 stars; one submission).

Conditions:
Cerebral folate transport deficiency. Also called: FOLATE RECEPTOR DEFICIENCY; NEURODEGENERATION DUE TO CEREBRAL FOLATE TRANSPORT DEFICIENCY; FOLR1-Related Cerebral Folate Transport Deficiency; Cerebral folate deficiency syndrome; Neurodegenerative syndrome due to cerebral folate transport deficiency. Identifiers: Orphanet 217382, MedGen C2751584, MONDO:0013110, OMIM 613068. Disease mechanism: loss of function.

Submission:

Labcorp Genetics (formerly Invitae), Labcorp
Classification: Uncertain significance for Cerebral folate transport deficiency. Last evaluated: 2020-02-24. Review status: criteria provided, single submitter. Criteria: Invitae Variant Classification Sherloc (09022015). Collection method: clinical testing. Allele origin: germline.
Comment: Algorithms developed to predict the effect of missense changes on protein structure and function do not agree on the potential impact of this missense change (SIFT: "Tolerated"; PolyPhen-2: "Probably Damaging"; Align-GVGD: "Class C0"). In summary, the available evidence is currently insufficient to determine the role of this variant in disease. Therefore, it has been classified as a Variant of Uncertain Significance. This variant has not been reported in the literature in individuals with FOLR1-related disease. This sequence change replaces glutamic acid with lysine at codon 223 of the FOLR1 protein (p.Glu223Lys). The glutamic acid residue is moderately conserved and there is a small physicochemical difference between glutamic acid and lysine. This variant is not present in population databases (ExAC no frequency).